The following is an entry in ClinVar:

NM_001276270.2(MBD4):c.1495C>A (p.Pro499Thr)

Gene: MBD4 (methyl-CpG binding domain 4, DNA glycosylase; minus strand). Cytogenetic location: 3q21.3.
Variant type: single nucleotide variant.
Coding change: c.1495C>A on transcript NM_001276270.2 (MANE Select); coding-DNA position 1495, C replaced by A.
Protein change: p.Pro499Thr; replaces proline 499 with threonine.
Molecular consequence: missense variant.
Genome position (GRCh38, 1-based): chr3:129,433,146, G>T on the plus strand (C>A on the coding strand, the complement: MBD4 is on the minus strand). VCF-style: chr3-129433146-G-T. GRCh37 (hg19) VCF-style: chr3-129151989-G-T.
Other names: c.1513C>A, p.Pro505Thr (NM_001276271.2, NM_001276272.2, NM_003925.3); c.559C>A, p.Pro187Thr (NM_001276273.2); short protein forms P499T, P505T, P187T.
Identifiers: ClinVar variation 2876208 (VCV002876208.4), dbSNP rs751003937, ClinGen allele CA2605281.

ClinVar aggregate classification (germline): Uncertain significance. Review status: criteria provided, multiple submitters, no conflicts (2 of 4 stars). 2 submissions from 2 submitters: Uncertain significance (2). Last evaluated 2026-01-22.

Conditions:
Inborn genetic diseases. Identifiers: MedGen C0950123, MeSH D030342.

Allele frequency attached by ClinVar (database versions not stated): gnomAD exomes 0.00001; gnomAD 0.00006; ExAC 0.00002; TOPMed 0.00005.
gnomAD v4.1: 14 of 1,614,182 alleles (0.00087%); highest among the groups gnomAD compares: African/African-American, 0.019%; no homozygotes.

Submissions (2):

Labcorp Genetics (formerly Invitae), Labcorp
Classification: Uncertain significance. Last evaluated: 2026-01-22. Review status: criteria provided, single submitter. Criteria: Invitae Variant Classification Sherloc (09022015). Collection method: clinical testing. Allele origin: germline.
Comment: This sequence change replaces proline, which is neutral and non-polar, with threonine, which is neutral and polar, at codon 505 of the MBD4 protein (p.Pro505Thr). This variant is present in population databases (rs751003937, gnomAD 0.02%). This variant has not been reported in the literature in individuals affected with MBD4-related conditions. ClinVar contains an entry for this variant (Variation ID: 2876208). An algorithm developed to predict the effect of missense changes on protein structure and function (PolyPhen-2) suggests that this variant is likely to be disruptive. In summary, the available evidence is currently insufficient to determine the role of this variant in disease. Therefore, it has been classified as a Variant of Uncertain Significance.

Ambry Genetics
Classification: Uncertain significance for Inborn genetic diseases. Last evaluated: 2024-12-04. Review status: criteria provided, single submitter. Criteria: Ambry Variant Classification Scheme 2023. Collection method: clinical testing. Allele origin: germline.
Comment: The p.P499T variant (also known as c.1495C>A), located in coding exon 6 of the MBD4 gene, results from a C to A substitution at nucleotide position 1495. The proline at codon 499 is replaced by threonine, an amino acid with highly similar properties. This amino acid position is conserved. In addition, the in silico prediction for this alteration is inconclusive. Based on the available evidence, the clinical significance of this variant remains unclear.